The following is an entry in ClinVar:

ClinVar aggregate classification (germline): Uncertain significance. Review status: criteria provided, multiple submitters, no conflicts (2 of 4 stars). 2 submissions from 2 submitters: Uncertain significance (2). Last evaluated 2025-07-12.

Conditions:
Hereditary cancer-predisposing syndrome. Also called: Hereditary neoplastic syndrome; Neoplastic Syndromes, Hereditary; Tumor predisposition; Hereditary Cancer Syndrome. Identifiers: Orphanet 140162, MedGen C0027672, MeSH D009386, MONDO:0015356.

gnomAD v4.1: 43 of 1,613,662 alleles (0.0027%); highest among the groups gnomAD compares: Non-Finnish European, 0.0036%; no homozygotes.

Submissions (2):

Ambry Genetics
Classification: Uncertain significance for Hereditary cancer-predisposing syndrome. Last evaluated: 2025-07-12. Review status: criteria provided, single submitter. Criteria: Ambry Variant Classification Scheme 2023. Collection method: clinical testing. Allele origin: germline.
Comment: The p.Q437P variant (also known as c.1310A>C), located in coding exon 12 of the FANCC gene, results from an A to C substitution at nucleotide position 1310. The glutamine at codon 437 is replaced by proline, an amino acid with similar properties. This amino acid position is poorly conserved in available vertebrate species. In addition, this alteration is predicted to be tolerated by in silico analysis. Since supporting evidence is limited at this time, the clinical significance of this alteration remains unclear.

Women's Health and Genetics/Laboratory Corporation of America, LabCorp
Classification: Uncertain significance. Last evaluated: 2022-03-29. Review status: criteria provided, single submitter. Criteria: LabCorp Variant Classification Summary - May 2015. Collection method: clinical testing. Allele origin: germline.
Comment: Variant summary: FANCC c.1310A>C (p.Gln437Pro) results in a non-conservative amino acid change in the encoded protein sequence. Four of five in-silico tools predict a benign effect of the variant on protein function. The variant was absent in 250762 control chromosomes (gnomAD). The available data on variant occurrences in the general population are insufficient to allow any conclusion about variant significance. To our knowledge, c.1310A>C has not been reported in the literature in individuals affected with Fanconi Anemia Group C and no experimental evidence demonstrating an impact on protein function has been reported. In a recent large study evaluating breast cancer cases and controls in the Breast Cancer Association Consortium (BCAC), the variant was reported in 2/60466 cases, but was also found in 2/53461 controls (Dorling_2021 through LOVD). No clinical diagnostic laboratories have submitted clinical-significance assessments for this variant to ClinVar after 2014. Based on the evidence outlined above, the variant was classified as uncertain significance.

Literature cited by the submitters: PubMed 33471991 (cited by Women's Health and Genetics/Laboratory Corporation of America, LabCorp).

NM_000136.3(FANCC):c.1310A>C (p.Gln437Pro)

Genes: AOPEP (aminopeptidase O (putative); plus strand), FANCC (FA complementation group C; minus strand). Cytogenetic location: 9q22.32.
Variant type: single nucleotide variant.
Coding change: c.1310A>C on transcript NM_000136.3 (MANE Select); coding-DNA position 1310, A replaced by C.
Protein change: p.Gln437Pro; replaces glutamine 437 with proline.
Molecular consequence: missense variant.
Genome position (GRCh38, 1-based): chr9:95,111,482, T>G on the plus strand (A>C on the coding strand, the complement: FANCC is on the minus strand). VCF-style: chr9-95111482-T-G. GRCh37 (hg19) VCF-style: chr9-97873764-T-G.
Other names: c.1310A>C, p.Gln437Pro (NM_001243743.2, NM_001243744.2); short protein forms Q437P.
Identifiers: ClinVar variation 1677210 (VCV001677210.4), dbSNP rs912537449, ClinGen allele CA196543179.
Genomic context (GRCh38, chr9:95,111,482, plus strand): 5'-AGAGCCCACCCCAAACACATGCAGTGGGGCCTGCTACCCACCATAGTCTGTGCTCTCTGC[T>G]GCCTCCCATCACGGGGGCCGTAGTAGAAGGCCAAGAGCCACAGCAGGGCCGTGGGGGGTT-3'
Protein context (NP_000127.2, residues 427-447): AFYYGPRDGR[Gln437Pro]QRAQTMVQVK